The following is an entry in ClinVar:

ClinVar aggregate classification (germline): Uncertain significance (1 of 4 stars; one submission).

Submission:

CeGaT Center for Human Genetics Tuebingen
Classification: Uncertain significance. Last evaluated: 2026-04-01. Review status: criteria provided, single submitter. Criteria: CeGaT Center For Human Genetics Tuebingen Variant Classification Criteria Version 2. Collection method: clinical testing. Allele origin: germline. Affected: yes. Observed: 1 variant allele.
Comment: KARS1: PM2, PP3

NM_005548.3(KARS1):c.616C>G (p.Leu206Val)

Gene: KARS1 (lysyl-tRNA synthetase 1; minus strand). Cytogenetic location: 16q23.1.
Variant type: single nucleotide variant.
Coding change: c.616C>G on transcript NM_005548.3 (MANE Select); coding-DNA position 616, C replaced by G.
Protein change: p.Leu206Val; replaces leucine 206 with valine.
Molecular consequence: missense variant.
Genome position (GRCh38, 1-based): chr16:75,635,965, G>C on the plus strand (C>G on the coding strand, the complement: KARS1 is on the minus strand). VCF-style: chr16-75635965-G-C. GRCh37 (hg19) VCF-style: chr16-75669863-G-C.
Other names: c.700C>G, p.Leu234Val (NM_001130089.2); c.148C>G, p.Leu50Val (NM_001378148.1); short protein forms L206V, L234V, L50V.
Identifiers: ClinVar variation 4874637 (VCV004874637.2).